The following is an entry in ClinVar:

ClinVar aggregate classification (germline): Uncertain significance. Review status: criteria provided, multiple submitters, no conflicts (2 of 4 stars). 2 submissions from 2 submitters: Uncertain significance (2). Last evaluated 2024-06-13.

Conditions:
Inborn genetic diseases. Identifiers: MedGen C0950123, MeSH D030342.

Allele frequency attached by ClinVar (database versions not stated): TOPMed below 0.00001; gnomAD 0.00001; gnomAD exomes 0.00001; ESP Exome Variant Server 0.00008.
gnomAD v4.1: 7 of 1,613,964 alleles (0.00043%); highest among the groups gnomAD compares: Non-Finnish European, 0.00059%; no homozygotes.

Submissions (2):

Ambry Genetics
Classification: Uncertain significance for Inborn genetic diseases. Last evaluated: 2024-06-13. Review status: criteria provided, single submitter. Criteria: Ambry Variant Classification Scheme 2023. Collection method: clinical testing. Allele origin: germline.

Labcorp Genetics (formerly Invitae), Labcorp
Classification: Uncertain significance. Last evaluated: 2022-08-19. Review status: criteria provided, single submitter. Criteria: Invitae Variant Classification Sherloc (09022015). Collection method: clinical testing. Allele origin: germline.
Comment: In summary, the available evidence is currently insufficient to determine the role of this variant in disease. Therefore, it has been classified as a Variant of Uncertain Significance. Algorithms developed to predict the effect of missense changes on protein structure and function output the following: SIFT: "Deleterious"; PolyPhen-2: "Benign"; Align-GVGD: "Class C0". The glycine amino acid residue is found in multiple mammalian species, which suggests that this missense change does not adversely affect protein function. This variant has not been reported in the literature in individuals affected with DMXL2-related conditions. This variant is not present in population databases (gnomAD no frequency). This sequence change replaces aspartic acid, which is acidic and polar, with glycine, which is neutral and non-polar, at codon 3035 of the DMXL2 protein (p.Asp3035Gly).

NM_001378457.1(DMXL2):c.9167A>G (p.Asp3056Gly)

Gene: DMXL2 (Dmx like 2; minus strand). Cytogenetic location: 15q21.2.
Variant type: single nucleotide variant.
Coding change: c.9167A>G on transcript NM_001378457.1 (MANE Select); coding-DNA position 9167, A replaced by G.
Protein change: p.Asp3056Gly; replaces aspartic acid 3056 with glycine.
Molecular consequence: missense variant. On other transcripts: non-coding transcript variant (2).
Genome position (GRCh38, 1-based): chr15:51,448,994, T>C on the plus strand (A>G on the coding strand, the complement: DMXL2 is on the minus strand). VCF-style: chr15-51448994-T-C. GRCh37 (hg19) VCF-style: chr15-51741191-T-C.
Other names: c.9104A>G, p.Asp3035Gly (NM_001174116.3); c.7193A>G, p.Asp2398Gly (NM_001174117.3); c.9164A>G, p.Asp3055Gly (NM_001378458.1); c.8879A>G, p.Asp2960Gly (NM_001378459.1); c.7082A>G, p.Asp2361Gly (NM_001378460.1); c.9101A>G, p.Asp3034Gly (NM_015263.5); c.9104A>G (NM_001174116.1); short protein forms D3034G, D2361G, D2398G, D3035G, D3056G, D2960G, D3055G.
Identifiers: ClinVar variation 1983025 (VCV001983025.5), dbSNP rs373398462, ClinGen allele CA270571819.
Genomic context (GRCh38, chr15:51,448,994, plus strand): 5'-CTGTAGTGTGCCTTTTAACTGAAATGTATATAAAAATAAAACCCCAATCTTTATAGAATG[T>C]CAAGAATTCTGTTAGGGATGTTAAAAGCATTGGGCAAAACCCTGGTTTTCAGCGTGCCAT-3'
Protein context (NP_001365386.1, residues 3046-3058): NAFNIPNRIL[Asp3056Gly]IL